The following is an entry in ClinVar:

NM_001378902.1(ROS1):c.6664A>C (p.Lys2222Gln)

Gene: ROS1 (ROS proto-oncogene 1, receptor tyrosine kinase; minus strand). Cytogenetic location: 6q22.1.
Variant type: single nucleotide variant.
Coding change: c.6664A>C on transcript NM_001378902.1 (MANE Select); coding-DNA position 6664, A replaced by C.
Protein change: p.Lys2222Gln; replaces lysine 2222 with glutamine.
Molecular consequence: missense variant.
Genome position (GRCh38, 1-based): chr6:117,301,025, T>G on the plus strand (A>C on the coding strand, the complement: ROS1 is on the minus strand). VCF-style: chr6-117301025-T-G. GRCh37 (hg19) VCF-style: chr6-117622188-T-G.
Other names: c.6670A>C, p.Lys2224Gln (NM_001378891.1); c.6682A>C, p.Lys2228Gln (NM_002944.3); short protein forms K2222Q, K2224Q, K2228Q.
Identifiers: ClinVar variation 3770429 (VCV003770429.13).

ClinVar aggregate classification (germline): Benign (1 of 4 stars; one submission).

gnomAD v4.1: 376,040 of 1,597,896 alleles (24%); highest among the groups gnomAD compares: Non-Finnish European, 26%; 47,339 homozygotes.

Submission:

CeGaT Center for Human Genetics Tuebingen
Classification: Benign. Last evaluated: 2025-01-01. Review status: criteria provided, single submitter. Criteria: CeGaT Center For Human Genetics Tuebingen Variant Classification Criteria Version 2. Collection method: clinical testing. Allele origin: germline. Affected: yes. Observed: 1 variant allele.
Comment: ROS1: BP4, BS1, BS2